The following is an entry in ClinVar:

NM_000637.5(GSR):c.1338C>A (p.Ser446Arg)

Gene: GSR (glutathione-disulfide reductase; minus strand). Cytogenetic location: 8p12.
Variant type: single nucleotide variant.
Coding change: c.1338C>A on transcript NM_000637.5 (MANE Select); coding-DNA position 1338, C replaced by A.
Protein change: p.Ser446Arg; replaces serine 446 with arginine.
Molecular consequence: missense variant.
Genome position (GRCh38, 1-based): chr8:30,680,985, G>T on the plus strand (C>A on the coding strand, the complement: GSR is on the minus strand). VCF-style: chr8-30680985-G-T. GRCh37 (hg19) VCF-style: chr8-30538502-G-T.
Other names: c.1251C>A, p.Ser417Arg (NM_001195102.3); c.1179C>A, p.Ser393Arg (NM_001195103.3); c.1092C>A, p.Ser364Arg (NM_001195104.3); short protein forms S364R, S393R, S417R, S446R.
Identifiers: ClinVar variation 4685793 (VCV004685793.1).

ClinVar aggregate classification (germline): Uncertain significance (1 of 4 stars; one submission).

Conditions:
Hemolytic anemia due to glutathione reductase deficiency (CNSHA10). Also called: ANEMIA, CONGENITAL, NONSPHEROCYTIC HEMOLYTIC, 10. Identifiers: Orphanet 90030, MedGen C5231513, MONDO:0019531, OMIM 618660.

Submission:

ARUP Laboratories, Molecular Genetics and Genomics, ARUP Laboratories
Classification: Uncertain significance for Hemolytic anemia due to glutathione reductase deficiency. Last evaluated: 2025-05-02. Review status: criteria provided, single submitter. Criteria: ARUP Molecular Germline Variant Investigation Process 2024. Collection method: clinical testing. Allele origin: germline.
Comment: The GSR c.1338C>A; p.Ser446Arg variant (rs140526989), to our knowledge, is not reported in the medical literature or gene specific databases. This variant is only observed on one allele in the Genome Aggregation Database (v2.1.1), indicating it is not a common polymorphism. Computational analyses are uncertain whether this variant is neutral or deleterious (REVEL: 0.264). Due to limited information, the clinical significance of this variant is uncertain at this time.